The following is an entry in ClinVar:

ClinVar aggregate classification (germline): Uncertain significance. Review status: criteria provided, multiple submitters, no conflicts (2 of 4 stars). 2 submissions from 2 submitters: Uncertain significance (2). Last evaluated 2025-11-03.

Conditions:
Inborn genetic diseases. Identifiers: MedGen C0950123, MeSH D030342.
Fibrous dysplasia of jaw (CRBM). Also called: Cherubism. Identifiers: Orphanet 184, MedGen C0008029, MONDO:0007315, OMIM 118400.

Allele frequency attached by ClinVar (database versions not stated): gnomAD exomes 0.00001; ExAC 0.00001.
gnomAD v4.1: 11 of 1,614,072 alleles (0.00068%); highest among the groups gnomAD compares: Non-Finnish European, 0.00085%; no homozygotes.

Submissions (2):

Ambry Genetics
Classification: Uncertain significance for Inborn genetic diseases. Last evaluated: 2025-11-03. Review status: criteria provided, single submitter. Criteria: Ambry Variant Classification Scheme 2023. Collection method: clinical testing. Allele origin: germline.

Labcorp Genetics (formerly Invitae), Labcorp
Classification: Uncertain significance for Fibrous dysplasia of jaw. Last evaluated: 2025-08-18. Review status: criteria provided, single submitter. Criteria: Invitae Variant Classification Sherloc (09022015). Collection method: clinical testing. Allele origin: germline.
Comment: This sequence change replaces histidine, which is basic and polar, with tyrosine, which is neutral and polar, at codon 100 of the SH3BP2 protein (p.His100Tyr). This variant is present in population databases (rs745787410, gnomAD 0.002%). This variant has not been reported in the literature in individuals affected with SH3BP2-related conditions. ClinVar contains an entry for this variant (Variation ID: 2804895). Invitae Evidence Modeling of protein sequence and biophysical properties (such as structural, functional, and spatial information, amino acid conservation, physicochemical variation, residue mobility, and thermodynamic stability) indicates that this missense variant is not expected to disrupt SH3BP2 protein function with a negative predictive value of 95%. In summary, the available evidence is currently insufficient to determine the role of this variant in disease. Therefore, it has been classified as a Variant of Uncertain Significance.

NM_001122681.2(SH3BP2):c.298C>T (p.His100Tyr)

Gene: SH3BP2 (SH3 domain binding protein 2; plus strand). Cytogenetic location: 4p16.3.
Variant type: single nucleotide variant.
Coding change: c.298C>T on transcript NM_001122681.2 (MANE Select); coding-DNA position 298, C replaced by T.
Protein change: p.His100Tyr; replaces histidine 100 with tyrosine.
Molecular consequence: missense variant.
Genome position (GRCh38, 1-based): chr4:2,824,671, C>T. VCF-style: chr4-2824671-C-T. GRCh37 (hg19) VCF-style: chr4-2826398-C-T.
Other names: c.382C>T, p.His128Tyr (NM_001145855.2); c.469C>T, p.His157Tyr (NM_001145856.2); c.298C>T, p.His100Tyr (NM_003023.4); short protein forms H128Y, H157Y, H100Y.
Identifiers: ClinVar variation 2804895 (VCV002804895.4), dbSNP rs745787410, ClinGen allele CA2818999.